The following is an entry in ClinVar:

NM_007315.4(STAT1):c.821G>A (p.Arg274Gln)

Gene: STAT1 (signal transducer and activator of transcription 1; minus strand). Cytogenetic location: 2q32.2.
Variant type: single nucleotide variant.
Coding change: c.821G>A on transcript NM_007315.4 (MANE Select); coding-DNA position 821, G replaced by A.
Protein change: p.Arg274Gln; replaces arginine 274 with glutamine.
Molecular consequence: missense variant. On other transcripts: intron variant (1).
Genome position (GRCh38, 1-based): chr2:190,995,184, C>T on the plus strand (G>A on the coding strand, the complement: STAT1 is on the minus strand). VCF-style: chr2-190995184-C-T. GRCh37 (hg19) VCF-style: chr2-191859910-C-T.
Other names: c.821G>A, p.Arg274Gln (NM_001384880.1, NM_001384882.1, NM_001384886.1 and 4 more transcripts); c.827G>A, p.Arg276Gln (NM_001384881.1, NM_001384884.1); c.722G>A, p.Arg241Gln (NM_001384883.1); c.731G>A, p.Arg244Gln (NM_001384890.1); c.857G>A, p.Arg286Gln (NM_001384891.1); c.785+2672G>A (NM_001384885.1); short protein forms R274Q, R241Q, R244Q, R276Q, R286Q.
Identifiers: ClinVar variation 30085 (VCV000030085.64), dbSNP rs387906760, ClinGen allele CA128928.

ClinVar aggregate classification (germline): Pathogenic. Review status: criteria provided, multiple submitters, no conflicts (2 of 4 stars). 10 submissions from 9 submitters: Pathogenic (6). 4 of the submissions do not count toward it. Last evaluated 2025-10-12.

Conditions:
Mendelian susceptibility to mycobacterial diseases due to partial STAT1 deficiency. Also called: IMMUNODEFICIENCY 31A, MYCOBACTERIOSIS, AUTOSOMAL DOMINANT; STAT1 DEFICIENCY, AUTOSOMAL DOMINANT; Immunodeficiency 31a. Identifiers: Orphanet 319595, MedGen C4013950, MONDO:0013956, OMIM 614892.
Autoimmune enteropathy and endocrinopathy - susceptibility to chronic infections syndrome. Also called: Immunodeficiency 31C, autosomal dominant; Immunodeficiency 31C. Identifiers: Orphanet 391487, MedGen C3279990, MONDO:0013599, OMIM 614162.
Immunodeficiency 31B. Also called: IMMUNODEFICIENCY 31B, MYCOBACTERIAL AND VIRAL INFECTIONS, AUTOSOMAL RECESSIVE; STAT1 DEFICIENCY, AUTOSOMAL RECESSIVE. Identifiers: Orphanet 391311, MedGen C3151088, MONDO:0013427, OMIM 613796.
STAT1-related disorder. Also called: STAT1-related condition.

Submissions (10):

Labcorp Genetics (formerly Invitae), Labcorp
Classification: Pathogenic for Mendelian susceptibility to mycobacterial diseases due to partial STAT1 deficiency; Immunodeficiency 31B; Autoimmune enteropathy and endocrinopathy - susceptibility to chronic infections syndrome. Last evaluated: 2025-10-12. Review status: criteria provided, single submitter. Criteria: Invitae Variant Classification Sherloc (09022015). Collection method: clinical testing. Allele origin: germline.
Comment: This sequence change replaces arginine, which is basic and polar, with glutamine, which is neutral and polar, at codon 274 of the STAT1 protein (p.Arg274Gln). This variant is not present in population databases (gnomAD no frequency). This missense change has been observed in individual(s) with autosomal dominant chronic mucocutaneous candidiasis (PMID: 21727188, 22847544, 26242301, 26604104). It has also been observed to segregate with disease in related individuals. ClinVar contains an entry for this variant (Variation ID: 30085). An algorithm developed to predict the effect of missense changes on protein structure and function (PolyPhen-2) suggests that this variant is likely to be disruptive. Experimental studies have shown that this missense change affects STAT1 function (PMID: 21727188, 26242301, 28258222). This variant disrupts the p.Arg274 amino acid residue in STAT1. Other variant(s) that disrupt this residue have been determined to be pathogenic (PMID: 21714643, 21727188, 25367169, 26604104). This suggests that this residue is clinically significant, and that variants that disrupt this residue are likely to be disease-causing. For these reasons, this variant has been classified as Pathogenic.

CeGaT Center for Human Genetics Tuebingen
Classification: Pathogenic. Last evaluated: 2023-01-01. Review status: criteria provided, single submitter. Criteria: CeGaT Center For Human Genetics Tuebingen Variant Classification Criteria Version 2. Collection method: clinical testing. Allele origin: germline. Affected: yes. Observed: 2 variant alleles.
Comment: STAT1: PM1, PM2, PS3:Moderate, PS4:Moderate, PP2, PP4

Center for Personalized Medicine, Children's Hospital Los Angeles
Classification: Pathogenic. Last evaluated: 2022-12-21. Review status: criteria provided, single submitter. Criteria: ACMG Guidelines, 2015. Collection method: clinical testing. Allele origin: unknown. Affected: yes.

Blueprint Genetics
Classification: Pathogenic for STAT1-related disorders. Last evaluated: 2019-11-29. Review status: criteria provided, single submitter. Criteria: ACMG Guidelines, 2015. Collection method: clinical testing. Allele origin: germline. Affected: yes. Observed: 1 variant allele.

Center for Personalized Medicine, Children's Hospital Los Angeles
Classification: Pathogenic for STAT1-related disorder. Review status: criteria provided, single submitter. Criteria: ACMG Guidelines, 2015. Collection method: clinical testing. Allele origin: germline. Affected: yes.

Neuberg Centre For Genomic Medicine, NCGM
Classification: Pathogenic for Autoimmune enteropathy and endocrinopathy - susceptibility to chronic infections syndrome. Review status: criteria provided, single submitter. Criteria: ACMG Guidelines, 2015. Collection method: clinical testing. Allele origin: germline. Affected: yes.
Comment: The missense variant p.R274Q in STAT1 (NM_007315.4) has been previously reported in affected patients (Fujiki R et al,Depner M et al). Other variants affecting this residue have been classified as disease causing. The variant has been submitted to ClinVar as Pathogenic. The p.R274Q variant is novel (not in any individuals) in gnomAD Exomes and is novel (not in any individuals) in 1000 Genomes.The p.R274Q missense variant is predicted to be damaging by both SIFT and PolyPhen2. The arginine residue at codon 274 of STAT1 is conserved in all mammalian species. The nucleotide c.821 in STAT1 is predicted conserved by GERP++ and PhyloP across 100 vertebrates. For these reasons, this variant has been classified as Pathogenic.

Clinical Laboratory Sciences Program (CLSP), King Saud bin Abdulaziz University for Health Sciences (KSAU-HS)
Classification: Pathogenic for Autoimmune enteropathy and endocrinopathy - susceptibility to chronic infections syndrome. Last evaluated: 2023-04-01. Review status: no assertion criteria provided. Collection method: clinical testing. Allele origin: germline. Affected: yes. Not counted in ClinVar's aggregate classification.

OMIM
Classification: Pathogenic for IMMUNODEFICIENCY 31C. Last evaluated: 2011-08-01. Review status: no assertion criteria provided. Collection method: literature only. Allele origin: germline. Not counted in ClinVar's aggregate classification.

Clinical Genetics DNA and cytogenetics Diagnostics Lab, Erasmus MC, Erasmus Medical Center
Classification: Pathogenic. Review status: no assertion criteria provided. Collection method: clinical testing. Allele origin: germline. Affected: yes. Study: VKGL Data-share Consensus. Not counted in ClinVar's aggregate classification.

Genome Diagnostics Laboratory, University Medical Center Utrecht
Classification: Pathogenic. Review status: no assertion criteria provided. Collection method: clinical testing. Allele origin: germline. Affected: yes. Study: VKGL Data-share Consensus. Not counted in ClinVar's aggregate classification.

Literature cited by the submitters: PubMed 21727188 (cited by Labcorp Genetics (formerly Invitae), Labcorp and OMIM); PubMed 22847544 (cited by Labcorp Genetics (formerly Invitae), Labcorp); PubMed 26242301 (cited by Labcorp Genetics (formerly Invitae), Labcorp); PubMed 26604104 (cited by Labcorp Genetics (formerly Invitae), Labcorp); PubMed 28258222 (cited by Labcorp Genetics (formerly Invitae), Labcorp); PubMed 21714643 (cited by Labcorp Genetics (formerly Invitae), Labcorp); PubMed 25367169 (cited by Labcorp Genetics (formerly Invitae), Labcorp); PubMed 22195034 (cited by OMIM).